The following is an entry in ClinVar:

ClinVar aggregate classification (germline): Uncertain significance (1 of 4 stars; one submission).

Conditions:
Duchenne muscular dystrophy (DMD). Also called: MUSCULAR DYSTROPHY, PSEUDOHYPERTROPHIC PROGRESSIVE, DUCHENNE TYPE; Duchenne Muscular Dystrophy (DMD). Identifiers: Orphanet 98896, MedGen C0013264, MONDO:0010679, OMIM 310200.

Allele frequency attached by ClinVar (database versions not stated): ExAC 0.00001.

Submission:

Labcorp Genetics (formerly Invitae), Labcorp
Classification: Uncertain significance for Duchenne muscular dystrophy. Last evaluated: 2022-08-31. Review status: criteria provided, single submitter. Criteria: Invitae Variant Classification Sherloc (09022015). Collection method: clinical testing. Allele origin: germline.
Comment: This sequence change replaces histidine, which is basic and polar, with tyrosine, which is neutral and polar, at codon 1380 of the DMD protein (p.His1380Tyr). This variant is present in population databases (rs777127317, gnomAD 0.005%), including at least one homozygous and/or hemizygous individual. This variant has not been reported in the literature in individuals affected with DMD-related conditions. Algorithms developed to predict the effect of missense changes on protein structure and function (SIFT, PolyPhen-2, Align-GVGD) all suggest that this variant is likely to be tolerated. In summary, the available evidence is currently insufficient to determine the role of this variant in disease. Therefore, it has been classified as a Variant of Uncertain Significance.

NM_004006.3(DMD):c.4138C>T (p.His1380Tyr)

Gene: DMD (dystrophin; minus strand). Cytogenetic location: Xp21.1.
Variant type: single nucleotide variant.
Coding change: c.4138C>T on transcript NM_004006.3 (MANE Select); coding-DNA position 4138, C replaced by T.
Protein change: p.His1380Tyr; replaces histidine 1380 with tyrosine.
Molecular consequence: missense variant.
Genome position (GRCh38, 1-based): chrX:32,411,847, G>A on the plus strand (C>T on the coding strand, the complement: DMD is on the minus strand). VCF-style: chrX-32411847-G-A. GRCh37 (hg19) VCF-style: chrX-32429964-G-A.
Other names: c.4114C>T, p.His1372Tyr (NM_000109.4); c.4126C>T, p.His1376Tyr (NM_004009.3); c.3769C>T, p.His1257Tyr (NM_004010.3); c.115C>T, p.His39Tyr (NM_004011.4); c.106C>T, p.His36Tyr (NM_004012.4); short protein forms H1372Y, H36Y, H39Y, H1380Y, H1257Y, H1376Y.
Identifiers: ClinVar variation 2156109 (VCV002156109.1), dbSNP rs777127317, ClinGen allele CA10379031.
Genomic context (GRCh38, chrX:32,411,847, plus strand): 5'-TGTCTGCAATATAAGCTGCCAACTGCTTGTCAATGAATGTGAGGGACTCCTGGATTAAGT[G>A]TAAGGATTTTTCAGTCTCCTGGGCAGACTGGATGCTCTGTTCAAGCAACTTTTGCCTCCT-3'
Protein context (NP_003997.2, residues 1370-1390): QSAQETEKSL[His1380Tyr]LIQESLTFID